The following is an entry in ClinVar:

NM_006070.6(TFG):c.317G>A (p.Arg106His)

Gene: TFG (trafficking from ER to golgi regulator; plus strand). Cytogenetic location: 3q12.2.
Variant type: single nucleotide variant.
Coding change: c.317G>A on transcript NM_006070.6 (MANE Select); coding-DNA position 317, G replaced by A.
Protein change: p.Arg106His; replaces arginine 106 with histidine.
Molecular consequence: missense variant.
Genome position (GRCh38, 1-based): chr3:100,728,760, G>A. VCF-style: chr3-100728760-G-A. GRCh37 (hg19) VCF-style: chr3-100447604-G-A.
Other names: c.317G>A (NM_006070.5, NM_001195478.1); c.[317G>A] (NM_006070.5); c.317G>A, p.Arg106His (NM_001007565.2, NM_001195478.2, NM_001195479.2); short protein forms R106H.
Identifiers: ClinVar variation 1075540 (VCV001075540.27), dbSNP rs376971794, ClinGen allele CA2517047.
Genomic context (GRCh38, chr3:100,728,760, plus strand): 5'-TTTTTATTTCAGTTAATGGCCAGCCAAGACCCCTTGAATCAAGTCAGGTGAAATATCTCC[G>A]TCGAGAACTGATAGAACTTCGAAATAAAGTGAATCGTTTATTGGATAGCTTGGAACCACC-3'
Protein context (NP_006061.2, residues 96-116): PLESSQVKYL[Arg106His]RELIELRNKV

ClinVar aggregate classification (germline): Conflicting classifications of pathogenicity. Review status: criteria provided, conflicting classifications (1 of 4 stars). 11 submissions from 11 submitters: Pathogenic (4); Likely pathogenic (4); Uncertain significance (2). 1 of the submissions does not count toward it. Last evaluated 2026-04-22.

Conditions:
TFG-related disorder. Also called: TFG-related condition; TFG-related disorders.
Hereditary spastic paraplegia 57. Also called: Spastic paraplegia 57, autosomal recessive. Identifiers: Orphanet 431329, MedGen C3714897, MONDO:0014295, OMIM 615658.
Inborn genetic diseases. Identifiers: MedGen C0950123, MeSH D030342.
Hereditary motor and sensory neuropathy, Okinawa type (HMSNO). Also called: HEREDITARY MOTOR AND SENSORY NEUROPATHY, PROXIMAL TYPE. Identifiers: Orphanet 90117, MedGen C1858338, MONDO:0011468, OMIM 604484.
Childhood onset hereditary spastic paraplegia.

Allele frequency attached by ClinVar (database versions not stated): gnomAD 0.00001 and 0.00003; TOPMed 0.00003; gnomAD exomes 0.00004 and 0.00006; ExAC 0.00008; ESP Exome Variant Server 0.00008.

Submissions (11):

NHS Central & South Genomic Laboratory Hub
Classification: Pathogenic for Childhood onset hereditary spastic paraplegia. Last evaluated: 2026-04-22. Review status: criteria provided, single submitter. Criteria: ACMG Guidelines, 2015. Collection method: clinical testing. Allele origin: germline. Affected: yes.

Labcorp Genetics (formerly Invitae), Labcorp
Classification: Pathogenic for Hereditary motor and sensory neuropathy, Okinawa type; Hereditary spastic paraplegia 57. Last evaluated: 2025-12-09. Review status: criteria provided, single submitter. Criteria: Invitae Variant Classification Sherloc (09022015). Collection method: clinical testing. Allele origin: germline.
Comment: This sequence change replaces arginine, which is basic and polar, with histidine, which is basic and polar, at codon 106 of the TFG protein (p.Arg106His). This variant is present in population databases (rs376971794, gnomAD 0.04%). This missense change has been observed in individual(s) with autosomal recessive hereditary spastic paraplegia (PMID: 27492651). It has also been observed to segregate with disease in related individuals. ClinVar contains an entry for this variant (Variation ID: 1075540). Invitae Evidence Modeling of protein sequence and biophysical properties (such as structural, functional, and spatial information, amino acid conservation, physicochemical variation, residue mobility, and thermodynamic stability) indicates that this missense variant is expected to disrupt TFG protein function with a positive predictive value of 80%. Experimental studies have shown that this missense change affects TFG function (PMID: 27492651). This variant disrupts the p.Arg106 amino acid residue in TFG. Other variant(s) that disrupt this residue have been determined to be pathogenic (PMID: 23479643, 27492651, 29971521). This suggests that this residue is clinically significant, and that variants that disrupt this residue are likely to be disease-causing. For these reasons, this variant has been classified as Pathogenic.

Genomic Medicine Center of Excellence, King Faisal Specialist Hospital and Research Centre
Classification: Uncertain significance for Hereditary motor and sensory neuropathy, Okinawa type. Last evaluated: 2025-09-10. Review status: criteria provided, single submitter. Criteria: ACMG Guidelines, 2015. Collection method: clinical testing. Allele origin: germline.

Institute of Medical Genetics and Applied Genomics, University Hospital Tübingen
Classification: Pathogenic for Hereditary spastic paraplegia 57. Last evaluated: 2025-03-26. Review status: criteria provided, single submitter. Criteria: ACMG Guidelines, 2015. Collection method: clinical testing. Allele origin: germline. Inheritance: Autosomal recessive inheritance. Affected: yes.

Blueprint Genetics
Classification: Likely pathogenic for TFG-related disorders. Last evaluated: 2024-06-04. Review status: criteria provided, single submitter. Criteria: ACMG Guidelines, 2015. Collection method: clinical testing. Allele origin: germline. Affected: yes. Observed: 5 variant alleles.

Women's Health and Genetics/Laboratory Corporation of America, LabCorp
Classification: Pathogenic for TFG-Related Disorders. Last evaluated: 2023-11-27. Review status: criteria provided, single submitter. Criteria: LabCorp Variant Classification Summary - May 2015. Collection method: clinical testing. Allele origin: germline.
Comment: Variant summary: TFG c.317G>A (p.Arg106His) results in a non-conservative amino acid change in the encoded protein sequence. Four of five in-silico tools predict a damaging effect of the variant on protein function. The variant allele was found at a frequency of 6.4e-05 in 250224 control chromosomes. c.317G>A has been reported in the literature in multiple homozygous individuals affected with autosomal recessive hereditary spastic paraplegia, in one family with disease co-segregation (e.g. Harlalka_2016). These data indicate that the variant is very likely to be associated with disease. One publication reports experimental evidence evaluating an impact on protein function demonstrating decreased mitochondrial continuity index (MCI), a measure of mitochondrial fragmentation and impaired mitochondrial function (e.g. Harlalka_2016). The following publications have been ascertained in the context of this evaluation (PMID: 27492651, 33726816). A different variant located at the same codon (c.316C>T, p.Arg106Cys) has been classified as pathogenic with a severely presenting phenotype of TFG-Associated Hereditary Spastic Paraplegia, supporting a critical relevance of this residue to TFG protein function. Four submitters have cited clinical-significance assessments for this variant to ClinVar after 2014, classifying the variant as pathogenic (n=1), likely pathogenic (n=2), or uncertain significance (n=1). Based on the evidence outlined above, the variant was classified as pathogenic.

Ambry Genetics
Classification: Uncertain significance for Inborn genetic diseases. Last evaluated: 2021-07-21. Review status: criteria provided, single submitter. Criteria: Ambry Variant Classification Scheme 2023. Collection method: clinical testing. Allele origin: germline.
Comment: The p.R106H variant (also known as c.317G>A), located in coding exon 3 of the TFG gene, results from a G to A substitution at nucleotide position 317. The arginine at codon 106 is replaced by histidine, an amino acid with highly similar properties. This variant has been detected in the homozygote state and segregates with spastic paraplegia 57 (SPG57) in one family, and experimental studies show that this alteration may alter TFG function and disrupt the p.R106 amino acid residue (Harlalka GV et al. Hum Mutat, 2016 11;37:1157-1161). This amino acid position is highly conserved in available vertebrate species. In addition, this alteration is predicted to be deleterious by in silico analysis. Based on the supporting evidence, this variant is unlikely to be causative of hereditary motor and sensory neuropathy, Okinawa type (HMSN-P); however, its contribution to the development of spastic paraplegia 57 (SPG57) is uncertain.

Genetic Services Laboratory, University of Chicago
Classification: Likely pathogenic. Last evaluated: 2021-07-19. Review status: criteria provided, single submitter. Criteria: ACMG Guidelines, 2015. Collection method: clinical testing. Allele origin: germline. Affected: yes.
Comment: The p.Arg106His change affects a highly conserved amino acid residue located in a domain of the TFG protein that is not known to be functional. In-silico pathogenicity prediction tools (SIFT, PolyPhen2, Align GVGD, REVEL) provide contradictory results for the p.Arg106His substitution. This particular amino acid change was described in a homozygous state in a family with pure hereditary spastic paraplegias (HSP) (PMID: 27492651). Expression studies showed that the mutant protein showed mitochondrial fragmentation, observed in neurodegenerative diseases (PMID: 27492651). This sequence change has been described in the gnomAD database with a low population frequency of 0.036% in the South Asian subpopulation (dbSNP rs376971794). Other pathogenic sequence change affecting the same amino acid residue (p.Arg106) have been described in the literature (PMIDs: 23479643, 27492651, 29971521).

Revvity Omics, Revvity
Classification: Likely pathogenic. Last evaluated: 2021-05-26. Review status: criteria provided, single submitter. Criteria: ACMG Guidelines, 2015. Collection method: clinical testing. Allele origin: germline.

Neuberg Centre For Genomic Medicine, NCGM
Classification: Likely pathogenic for Hereditary spastic paraplegia 57. Review status: criteria provided, single submitter. Criteria: ACMG Guidelines, 2015. Collection method: clinical testing. Allele origin: germline. Affected: yes.
Comment: The missense variant p.R106H in TFG (NM_006070.6) has been reported previously in homozygous state in affected individuals (Beetz C et al, Harlalka GV et al). The variant has been submitted to ClinVar as Pathogenic. The p.R106H missense variant is predicted to be damaging by both SIFT and PolyPhen2. The arginine residue at codon 106 of TFG is conserved in all mammalian species. The nucleotide c.317 in TFG is predicted conserved by GERP++ and PhyloP across 100 vertebrates. For these reasons, this variant has been classified as Likely Pathogenic.

Genomics England Pilot Project, Genomics England
Classification: Likely pathogenic for Hereditary spastic paraplegia 57. Review status: no assertion criteria provided. Criteria: ACGS Guidelines, 2016. Collection method: clinical testing. Allele origin: germline. Affected: yes. Not counted in ClinVar's aggregate classification.

Literature cited by the submitters: PubMed 27492651 (cited by 3 submitters); PubMed 23479643 (cited by Labcorp Genetics (formerly Invitae), Labcorp); PubMed 29971521 (cited by Labcorp Genetics (formerly Invitae), Labcorp); PubMed 33726816 (cited by Women's Health and Genetics/Laboratory Corporation of America, LabCorp).